The following is an entry in ClinVar:

NM_014000.3(VCL):c.3227G>A (p.Arg1076Gln)

Gene: VCL (vinculin; plus strand). Cytogenetic location: 10q22.2.
Variant type: single nucleotide variant.
Coding change: c.3227G>A on transcript NM_014000.3 (MANE Select); coding-DNA position 3227, G replaced by A.
Protein change: p.Arg1076Gln; replaces arginine 1076 with glutamine.
Molecular consequence: missense variant.
Genome position (GRCh38, 1-based): chr10:74,114,868, G>A. VCF-style: chr10-74114868-G-A. GRCh37 (hg19) VCF-style: chr10-75874626-G-A.
Other names: c.3023G>A, p.Arg1008Gln (NM_003373.4); short protein forms R1008Q, R1076Q.
Identifiers: ClinVar variation 3655817 (VCV003655817.5).
Genomic context (GRCh38, chr10:74,114,868, plus strand): 5'-TCCCAACCATAAGCACCCAGCTCAAAATCCTGTCCACAGTGAAGGCCACCATGCTGGGCC[G>A]GACCAACATCAGTGATGAGGAGTCTGAGCAGGTATGTGGCAGCTGTTTTTGGTTTCTGGC-3'
Protein context (NP_054706.1, residues 1066-1086): LSTVKATMLG[Arg1076Gln]TNISDEESEQ

ClinVar aggregate classification (germline): Uncertain significance. Review status: criteria provided, multiple submitters, no conflicts (2 of 4 stars). 3 submissions from 3 submitters: Uncertain significance (3). Last evaluated 2025-09-01.

Conditions:
Dilated cardiomyopathy 1W (CMD1W). Identifiers: Orphanet 154, MedGen C1969639, MONDO:0012667, OMIM 611407.
Cardiovascular phenotype. Identifiers: MedGen CN230736.

gnomAD v4.1: 11 of 1,603,156 alleles (0.00069%); highest among the groups gnomAD compares: South Asian, 0.0045%; 1 homozygote.

Submissions (3):

Ambry Genetics
Classification: Uncertain significance for Cardiovascular phenotype. Last evaluated: 2025-09-01. Review status: criteria provided, single submitter. Criteria: Ambry Variant Classification Scheme 2023. Collection method: clinical testing. Allele origin: germline.

Dasa
Classification: Uncertain significance. Last evaluated: 2025-07-18. Review status: criteria provided, single submitter. Criteria: DASA Assertion Criteria. Collection method: clinical testing. Allele origin: germline.
Comment: NM_014000.3(VCL):c.3227G>A (p.Arg1076Gln) is a missense variant that results in the substitution of arginine with glutamine. This variant is rare in population databases. Computational prediction algorithms are consistent with a benign effect. The currently available literature and clinical evidence are not sufficient to establish a definitive association between this variant and the reported condition. Therefore, this variant is classified as a variant of uncertain significance.

Labcorp Genetics (formerly Invitae), Labcorp
Classification: Uncertain significance for Dilated cardiomyopathy 1W. Last evaluated: 2025-03-17. Review status: criteria provided, single submitter. Criteria: Invitae Variant Classification Sherloc (09022015). Collection method: clinical testing. Allele origin: germline.
Comment: This sequence change replaces arginine, which is basic and polar, with glutamine, which is neutral and polar, at codon 1076 of the VCL protein (p.Arg1076Gln). The frequency data for this variant in the population databases is considered unreliable, as metrics indicate poor data quality at this position in the gnomAD database. This variant has not been reported in the literature in individuals affected with VCL-related conditions. An algorithm developed to predict the effect of missense changes on protein structure and function (PolyPhen-2) suggests that this variant is likely to be disruptive. In summary, the available evidence is currently insufficient to determine the role of this variant in disease. Therefore, it has been classified as a Variant of Uncertain Significance.